The following is an entry in ClinVar:

ClinVar aggregate classification (germline): Uncertain significance (1 of 4 stars; one submission).

Submission:

Ambry Genetics
Classification: Uncertain significance. Last evaluated: 2024-07-26. Review status: criteria provided, single submitter. Criteria: Ambry Variant Classification Scheme 2023. Collection method: clinical testing. Allele origin: germline.
Comment: The p.I1813V variant (also known as c.5437A>G), located in coding exon 5 of the ALPK2 gene, results from an A to G substitution at nucleotide position 5437. The isoleucine at codon 1813 is replaced by valine, an amino acid with highly similar properties. This amino acid position is conserved. In addition, this alteration is predicted to be tolerated by in silico analysis. Based on the available evidence, the clinical significance of this variant remains unclear.

NM_052947.4(ALPK2):c.5437A>G (p.Ile1813Val)

Gene: ALPK2 (alpha kinase 2; minus strand). Cytogenetic location: 18q21.31.
Variant type: single nucleotide variant.
Coding change: c.5437A>G on transcript NM_052947.4 (MANE Select); coding-DNA position 5437, A replaced by G.
Protein change: p.Ile1813Val; replaces isoleucine 1813 with valine.
Molecular consequence: missense variant.
Genome position (GRCh38, 1-based): chr18:58,529,155, T>C on the plus strand (A>G on the coding strand, the complement: ALPK2 is on the minus strand). VCF-style: chr18-58529155-T-C. GRCh37 (hg19) VCF-style: chr18-56196387-T-C.
Other names: short protein forms I1813V.
Identifiers: ClinVar variation 3530877 (VCV003530877.1).
Genomic context (GRCh38, chr18:58,529,155, plus strand): 5'-TCTGCACTTGGGCTATGGACTTTGAATCTTTTGTCCAGCAGATAGTAGAATCTTCATGAA[T>C]TTCTGCAAATTGGCAGCTTAATTTTACATTTCCAGAGTGTTCAGGGAACATCTCAGCTTG-3'
Protein context (NP_443179.3, residues 1803-1823): NVKLSCQFAE[Ile1813Val]HEDSTICWTK